The following is an entry in ClinVar:

NM_152866.3(MS4A1):c.718A>T (p.Ile240Phe)

Gene: MS4A1 (membrane spanning 4-domains A1; plus strand). Cytogenetic location: 11q12.2.
Variant type: single nucleotide variant.
Coding change: c.718A>T on transcript NM_152866.3 (MANE Select); coding-DNA position 718, A replaced by T.
Protein change: p.Ile240Phe; replaces isoleucine 240 with phenylalanine.
Molecular consequence: missense variant.
Genome position (GRCh38, 1-based): chr11:60,468,292, A>T. VCF-style: chr11-60468292-A-T. GRCh37 (hg19) VCF-style: chr11-60235765-A-T.
Other names: c.718A>T, p.Ile240Phe (NM_021950.4, NM_152867.2); short protein forms I240F.
Identifiers: ClinVar variation 1351756 (VCV001351756.8), dbSNP rs201410977, ClinGen allele CA380600718.

ClinVar aggregate classification (germline): Uncertain significance (1 of 4 stars; one submission).

Submission:

Labcorp Genetics (formerly Invitae), Labcorp
Classification: Uncertain significance. Last evaluated: 2021-05-06. Review status: criteria provided, single submitter. Criteria: Invitae Variant Classification Sherloc (09022015). Collection method: clinical testing. Allele origin: germline.
Comment: In summary, the available evidence is currently insufficient to determine the role of this variant in disease. Therefore, it has been classified as a Variant of Uncertain Significance. Algorithms developed to predict the effect of missense changes on protein structure and function are either unavailable or do not agree on the potential impact of this missense change (SIFT: "Tolerated"; PolyPhen-2: "Possibly Damaging"; Align-GVGD: "Class C0"). This variant has not been reported in the literature in individuals with MS4A1-related conditions. This variant is not present in population databases (ExAC no frequency). This sequence change replaces isoleucine with phenylalanine at codon 240 of the MS4A1 protein (p.Ile240Phe). The isoleucine residue is highly conserved and there is a small physicochemical difference between isoleucine and phenylalanine.